The following is an entry in ClinVar:

NM_004655.4(AXIN2):c.1908-5T>A

Gene: AXIN2 (axin 2; minus strand). Cytogenetic location: 17q24.1.
Variant type: single nucleotide variant.
Coding change: c.1908-5T>A on transcript NM_004655.4 (MANE Select); 5 bases into the intron before coding-DNA position 1908, T replaced by A.
Molecular consequence: intron variant.
Genome position (GRCh38, 1-based): chr17:65,536,558, A>T on the plus strand (T>A on the coding strand, the complement: AXIN2 is on the minus strand). VCF-style: chr17-65536558-A-T. GRCh37 (hg19) VCF-style: chr17-63532676-A-T.
Other names: c.1713-5T>A (NM_001363813.1).
Identifiers: ClinVar variation 4188247 (VCV004188247.1).

ClinVar aggregate classification (germline): Uncertain significance (1 of 4 stars; one submission).

Conditions:
Hereditary cancer-predisposing syndrome. Also called: Neoplastic Syndromes, Hereditary; Tumor predisposition; Hereditary Cancer Syndrome; Hereditary neoplastic syndrome. Identifiers: Orphanet 140162, MedGen C0027672, MeSH D009386, MONDO:0015356.

Submission:

Ambry Genetics
Classification: Uncertain significance for Hereditary cancer-predisposing syndrome. Last evaluated: 2025-07-23. Review status: criteria provided, single submitter. Criteria: Ambry Variant Classification Scheme 2023. Collection method: clinical testing. Allele origin: germline.
Comment: The c.1908-5T>A intronic variant results from a T to A substitution 5 nucleotides upstream from coding exon 7 in the AXIN2 gene. This nucleotide position is not well conserved in available vertebrate species. In silico splice site analysis predicts that this alteration will not have any significant effect on splicing. Based on the available evidence, the clinical significance of this variant remains unclear.